The following is an entry in ClinVar:

ClinVar aggregate classification (germline): Likely benign (1 of 4 stars; one submission).

Allele frequency attached by ClinVar (database versions not stated): ESP Exome Variant Server 0.00008; ExAC 0.00010; gnomAD 0.00017; TOPMed 0.00017; gnomAD exomes 0.00027.

Submission:

CeGaT Center for Human Genetics Tuebingen
Classification: Likely benign. Last evaluated: 2023-02-01. Review status: criteria provided, single submitter. Criteria: CeGaT Center For Human Genetics Tuebingen Variant Classification Criteria Version 2. Collection method: clinical testing. Allele origin: germline. Affected: yes. Observed: 1 variant allele.
Comment: TNRC18: BP4, BP7

NM_001080495.3(TNRC18):c.3807C>T (p.Pro1269=)

Gene: TNRC18 (trinucleotide repeat containing 18; minus strand). Cytogenetic location: 7p22.1.
Variant type: single nucleotide variant.
Coding change: c.3807C>T on transcript NM_001080495.3 (MANE Select); coding-DNA position 3807, C replaced by T.
Protein change: p.Pro1269=; no amino-acid change (proline 1269 retained).
Molecular consequence: synonymous variant.
Genome position (GRCh38, 1-based): chr7:5,370,787, G>A on the plus strand (C>T on the coding strand, the complement: TNRC18 is on the minus strand). VCF-style: chr7-5370787-G-A. GRCh37 (hg19) VCF-style: chr7-5410418-G-A.
Identifiers: ClinVar variation 2657278 (VCV002657278.24), dbSNP rs376338211, ClinGen allele CA4144902.